The following is an entry in ClinVar:

NM_024490.4(ATP10A):c.3699G>A (p.Thr1233=)

Gene: ATP10A (ATPase phospholipid transporting 10A (putative); minus strand). Cytogenetic location: 15q12.
Variant type: single nucleotide variant.
Coding change: c.3699G>A on transcript NM_024490.4 (MANE Select); coding-DNA position 3699, G replaced by A.
Protein change: p.Thr1233=; no amino-acid change (threonine 1233 retained).
Molecular consequence: synonymous variant.
Genome position (GRCh38, 1-based): chr15:25,680,288, C>T on the plus strand (G>A on the coding strand, the complement: ATP10A is on the minus strand). VCF-style: chr15-25680288-C-T. GRCh37 (hg19) VCF-style: chr15-25925435-C-T.
Identifiers: ClinVar variation 3048371 (VCV003048371.2), dbSNP rs114546364, ClinGen allele CA7436003.

ClinVar aggregate classification (germline): Likely benign (0 of 4 stars; one submission).

Conditions:
ATP10A-related disorder. Also called: ATP10A-related condition.

Allele frequency attached by ClinVar (database versions not stated): ESP Exome Variant Server 0.00023; gnomAD 0.00031; TOPMed 0.00034.
gnomAD v4.1: 119 of 1,614,116 alleles (0.0074%); highest among the groups gnomAD compares: African/African-American, 0.11%; no homozygotes.

Submission:

PreventionGenetics, part of Exact Sciences
Classification: Likely benign for ATP10A-related condition. Last evaluated: 2019-11-26. Review status: no assertion criteria provided. Collection method: clinical testing. Allele origin: germline.
Comment: This variant is classified as likely benign based on ACMG/AMP sequence variant interpretation guidelines (Richards et al. 2015 PMID: 25741868, with internal and published modifications).